The following is an entry in ClinVar:

NM_001933.5(DLST):c.901+2T>C

Gene: DLST (dihydrolipoamide S-succinyltransferase; plus strand). Cytogenetic location: 14q24.3.
Variant type: single nucleotide variant.
Coding change: c.901+2T>C on transcript NM_001933.5 (MANE Select); the canonical splice donor site of the intron after coding-DNA position 901, T replaced by C.
Molecular consequence: splice donor variant.
Genome position (GRCh38, 1-based): chr14:74,898,501, T>C. VCF-style: chr14-74898501-T-C. GRCh37 (hg19) VCF-style: chr14-75365204-T-C.
Identifiers: ClinVar variation 4724945 (VCV004724945.1).

ClinVar aggregate classification (germline): Uncertain significance (1 of 4 stars; one submission).

Submission:

Labcorp Genetics (formerly Invitae), Labcorp
Classification: Uncertain significance. Last evaluated: 2025-08-06. Review status: criteria provided, single submitter. Criteria: Invitae Variant Classification Sherloc (09022015). Collection method: clinical testing. Allele origin: germline.
Comment: This sequence change affects a donor splice site in intron 11 of the DLST gene. It is expected to disrupt RNA splicing. Variants that disrupt the donor or acceptor splice site typically lead to a loss of protein function (PMID: 16199547), however the current clinical and genetic evidence is not sufficient to establish whether loss-of-function variants in DLST cause disease. This variant is not present in population databases (gnomAD no frequency). This variant has not been reported in the literature in individuals affected with DLST-related conditions. Algorithms developed to predict the effect of sequence changes on RNA splicing suggest that this variant may disrupt the consensus splice site. In summary, the available evidence is currently insufficient to determine the role of this variant in disease. Therefore, it has been classified as a Variant of Uncertain Significance.

Literature cited by the submitters: PubMed 16199547.